The following is an entry in ClinVar:

NM_001145809.2(MYH14):c.5128-12C>T

Gene: MYH14 (myosin heavy chain 14; plus strand). Cytogenetic location: 19q13.33.
Variant type: single nucleotide variant.
Coding change: c.5128-12C>T on transcript NM_001145809.2 (MANE Select); 12 bases into the intron before coding-DNA position 5128, C replaced by T.
Molecular consequence: intron variant.
Genome position (GRCh38, 1-based): chr19:50,292,249, C>T. VCF-style: chr19-50292249-C-T. GRCh37 (hg19) VCF-style: chr19-50795506-C-T.
Other names: c.5029-12C>T (NM_001077186.2); c.5005-12C>T (NM_024729.4).
Identifiers: ClinVar variation 164204 (VCV000164204.8), dbSNP rs372261958, ClinGen allele CA176924.

ClinVar aggregate classification (germline): Likely benign. Review status: criteria provided, multiple submitters, no conflicts (2 of 4 stars). 4 submissions from 4 submitters: Likely benign (4). Last evaluated 2025-07-16.

Allele frequency attached by ClinVar (database versions not stated): gnomAD exomes 0.00003 and 0.00005; ExAC 0.00006; gnomAD 0.00006; TOPMed 0.00006; ESP Exome Variant Server 0.00008.
gnomAD v4.1: 81 of 1,598,406 alleles (0.0051%); highest among the groups gnomAD compares: African/African-American, 0.011%; no homozygotes.

Submissions (4):

Women's Health and Genetics/Laboratory Corporation of America, LabCorp
Classification: Likely benign. Last evaluated: 2025-07-16. Review status: criteria provided, single submitter. Criteria: LabCorp Variant Classification Summary - May 2015. Collection method: clinical testing. Allele origin: germline.
Comment: Variant summary: MYH14 c.5005-12C>T alters a nucleotide located at a position not widely known to affect splicing. Consensus agreement among computation tools predict no significant impact on normal splicing. However, these predictions have yet to be confirmed by functional studies. The variant allele was found at a frequency of 2.6e-05 in 231134 control chromosomes (gnomAD). The available data on variant occurrences in the general population are insufficient to allow any conclusion about variant significance. To our knowledge, no occurrence of c.5005-12C>T in individuals affected with Autosomal dominant nonsyndromic hearing loss 4A and no experimental evidence demonstrating its impact on protein function have been reported. ClinVar contains an entry for this variant (Variation ID: 164204). Based on the evidence outlined above, the variant was classified as likely benign.

Labcorp Genetics (formerly Invitae), Labcorp
Classification: Likely benign. Last evaluated: 2024-12-03. Review status: criteria provided, single submitter. Criteria: Invitae Variant Classification Sherloc (09022015). Collection method: clinical testing. Allele origin: germline.

Blueprint Genetics
Classification: Likely benign. Last evaluated: 2023-11-10. Review status: criteria provided, single submitter. Criteria: ACMG Guidelines, 2015. Collection method: clinical testing. Allele origin: germline.

Laboratory for Molecular Medicine, Mass General Brigham Personalized Medicine
Classification: Likely benign. Last evaluated: 2013-11-22. Review status: criteria provided, single submitter. Criteria: LMM Criteria. Collection method: clinical testing. Allele origin: germline. Observed: 1 variant allele.
Comment: 5128-12C>T in Intron 36 of MYH14: This variant is not expected to have clinical significance because it does not diverge from the splice consensus sequence and computational prediction tools do not suggest an impact to splicing. This varian t has been identified in 1/4148 (0.02%) African American chromosomes by the NHLB I Exome Sequencing Project (dbSNP rs372261958 ).